The following is an entry in ClinVar:

NM_005263.5(GFI1):c.95T>C (p.Val32Ala)

Gene: GFI1 (growth factor independent 1 transcriptional repressor; minus strand). Cytogenetic location: 1p22.1.
Variant type: single nucleotide variant.
Coding change: c.95T>C on transcript NM_005263.5 (MANE Select); coding-DNA position 95, T replaced by C.
Protein change: p.Val32Ala; replaces valine 32 with alanine.
Molecular consequence: missense variant.
Genome position (GRCh38, 1-based): chr1:92,483,393, A>G on the plus strand (T>C on the coding strand, the complement: GFI1 is on the minus strand). VCF-style: chr1-92483393-A-G. GRCh37 (hg19) VCF-style: chr1-92948950-A-G.
Other names: c.95T>C, p.Val32Ala (NM_001127215.3, NM_001127216.3); short protein forms V32A.
Identifiers: ClinVar variation 4029425 (VCV004029425.1).
Genomic context (GRCh38, chr1:92,483,393, plus strand): 5'-CCGGGGGAGCAGCCCCGCCTGGCCCGCGCGCGCCTCGCACCTGCTCGGCTAGGCGCCGGT[A>G]CATTCTCTAAACGGAGGGAATAGTCTGGTCCTGGGGAGCGCGGCTGGTGGTAGCTGTGAG-3'
Protein context (NP_005254.2, residues 22-42): GPDYSLRLEN[Val32Ala]PAPSRADSTS

ClinVar aggregate classification (germline): Uncertain significance (1 of 4 stars; one submission).

gnomAD v4.1: 3 of 1,609,154 alleles (0.00019%); highest among the groups gnomAD compares: Non-Finnish European, 0.00026%; no homozygotes.

Submission:

Ambry Genetics
Classification: Uncertain significance. Last evaluated: 2025-05-17. Review status: criteria provided, single submitter. Criteria: Ambry Variant Classification Scheme 2023. Collection method: clinical testing. Allele origin: germline.
Comment: The p.V32A variant (also known as c.95T>C), located in coding exon 1 of the GFI1 gene, results from a T to C substitution at nucleotide position 95. The valine at codon 32 is replaced by alanine, an amino acid with similar properties. This amino acid position is conserved. In addition, this alteration is predicted to be tolerated by in silico analysis. Based on the available evidence, the clinical significance of this variant remains unclear.